The following is an entry in ClinVar:

NM_005477.3(HCN4):c.2024C>T (p.Ala675Val)

Gene: HCN4 (hyperpolarization activated cyclic nucleotide gated potassium channel 4; minus strand). Cytogenetic location: 15q24.1.
Variant type: single nucleotide variant.
Coding change: c.2024C>T on transcript NM_005477.3 (MANE Select); coding-DNA position 2024, C replaced by T.
Protein change: p.Ala675Val; replaces alanine 675 with valine.
Molecular consequence: missense variant.
Genome position (GRCh38, 1-based): chr15:73,324,208, G>A on the plus strand (C>T on the coding strand, the complement: HCN4 is on the minus strand). VCF-style: chr15-73324208-G-A. GRCh37 (hg19) VCF-style: chr15-73616549-G-A.
Other names: short protein forms A675V.
Identifiers: ClinVar variation 4709575 (VCV004709575.1).

ClinVar aggregate classification (germline): Uncertain significance (1 of 4 stars; one submission).

Conditions:
Brugada syndrome 8 (BRGDA8). Identifiers: Orphanet 130, MedGen C2751083, MONDO:0013148, OMIM 613123.

Submission:

Labcorp Genetics (formerly Invitae), Labcorp
Classification: Uncertain significance for Brugada syndrome 8. Last evaluated: 2025-11-28. Review status: criteria provided, single submitter. Criteria: Invitae Variant Classification Sherloc (09022015). Collection method: clinical testing. Allele origin: germline.
Comment: This sequence change replaces alanine, which is neutral and non-polar, with valine, which is neutral and non-polar, at codon 675 of the HCN4 protein (p.Ala675Val). This variant is not present in population databases (gnomAD no frequency). This variant has not been reported in the literature in individuals affected with HCN4-related conditions. Invitae Evidence Modeling of protein sequence and biophysical properties (such as structural, functional, and spatial information, amino acid conservation, physicochemical variation, residue mobility, and thermodynamic stability) indicates that this missense variant is expected to disrupt HCN4 protein function with a positive predictive value of 95%. In summary, the available evidence is currently insufficient to determine the role of this variant in disease. Therefore, it has been classified as a Variant of Uncertain Significance.